The following is an entry in ClinVar:

ClinVar aggregate classification (germline): Pathogenic. Review status: criteria provided, single submitter (1 of 4 stars). 2 submissions from 2 submitters: Pathogenic (1). 1 of the submissions does not count toward it. Last evaluated 2025-07-28.

Conditions:
DKC1-related disorder. Also called: DKC1-related condition. Identifiers: MedGen CN294808, MONDO:0100152.
Dyskeratosis congenita, X-linked (DKCX). Also called: Zinsser-Cole-Engman Syndrome. Identifiers: MedGen C1148551, MONDO:0010584, OMIM 305000.

Submissions (2):

PreventionGenetics, part of Exact Sciences
Classification: Pathogenic for DKC1-related condition. Last evaluated: 2025-07-28. Review status: criteria provided, single submitter. Criteria: ACMG Guidelines, 2015. Collection method: clinical testing. Allele origin: germline.
Comment: The DKC1 c.16+592C>G variant is predicted to interfere with splicing. This variant has been reported in individuals with dyskeratosis congenita phenotypes (Knight et al 2001. PubMed ID: 11379875; Gorgy et al. 2015. PubMed ID: 26158642). This variant has also been reported in an individual with inherited bone marrow failure syndromes (Table S5, Lee et al. 2024. PubMed ID: 38735735). Splicing studies of cDNA derived from patient blood revealed this variant creates a cryptic splice donor site, resulting in inclusion of a 246 bp region of intron 1 (Knight et al 2001. PubMed ID: 11379875). This variant has not been reported in a large population database, indicating this variant is rare. This variant is interpreted as pathogenic.

OMIM
Classification: Pathogenic for DYSKERATOSIS CONGENITA, X-LINKED. Last evaluated: 2001-04-01. Review status: no assertion criteria provided. Collection method: literature only. Allele origin: germline. Not counted in ClinVar's aggregate classification.

Literature cited by the submitters: PubMed 9042917 (cited by OMIM); PubMed 11379875 (cited by OMIM).

NM_001363.5(DKC1):c.16+592C>G

Gene: DKC1 (dyskerin pseudouridine synthase 1; plus strand). Cytogenetic location: Xq28.
Variant type: single nucleotide variant.
Coding change: c.16+592C>G on transcript NM_001363.5 (MANE Select); 592 bases into the intron after coding-DNA position 16, C replaced by G.
Molecular consequence: intron variant.
Genome position (GRCh38, 1-based): chrX:154,763,573, C>G. VCF-style: chrX-154763573-C-G. GRCh37 (hg19) VCF-style: chrX-153991848-C-G.
Other names: IVS1, C-G, +592; c.16+592C>G (NM_001288747.2, NM_001142463.3).
Identifiers: ClinVar variation 11590 (VCV000011590.4), dbSNP rs1603429348, ClinGen allele CA913184922.